The following is an entry in ClinVar:

ClinVar aggregate classification (germline): Benign. Review status: criteria provided, multiple submitters, no conflicts (2 of 4 stars). 3 submissions from 3 submitters: Benign (2). 1 of the submissions does not count toward it. Last evaluated 2018-09-19.

Conditions:
EP400-related disorder. Also called: EP400-related condition.

Allele frequency attached by ClinVar (database versions not stated): gnomAD exomes 0.00085 and 0.00217; ExAC 0.00244; ESP Exome Variant Server 0.00753; gnomAD 0.00869 and 0.00931; 1000 Genomes Project 0.00879; TOPMed 0.00909; 1000 Genomes Project 30x 0.00953.
gnomAD v4.1: 2,618 of 1,614,096 alleles (0.16%); highest among the groups gnomAD compares: African/African-American, 3%; 29 homozygotes.

Submissions (3):

Labcorp Genetics (formerly Invitae), Labcorp
Classification: Benign. Last evaluated: 2018-09-19. Review status: criteria provided, single submitter. Criteria: Invitae Variant Classification Sherloc (09022015). Collection method: clinical testing. Allele origin: germline.

Breakthrough Genomics
Classification: Benign. Review status: criteria provided, single submitter. Criteria: ACMG Guidelines, 2015. Collection method: not provided. Allele origin: germline. Inheritance: Unknown mechanism. Affected: yes.

PreventionGenetics, part of Exact Sciences
Classification: Likely benign for EP400-related condition. Last evaluated: 2020-02-17. Review status: no assertion criteria provided. Collection method: clinical testing. Allele origin: germline. Not counted in ClinVar's aggregate classification.
Comment: This variant is classified as likely benign based on ACMG/AMP sequence variant interpretation guidelines (Richards et al. 2015 PMID: 25741868, with internal and published modifications).

NM_015409.5(EP400):c.1779G>A (p.Pro593=)

Gene: EP400 (E1A binding protein p400; plus strand). Cytogenetic location: 12q24.33.
Variant type: single nucleotide variant.
Coding change: c.1779G>A on transcript NM_015409.5 (MANE Select); coding-DNA position 1779, G replaced by A.
Protein change: p.Pro593=; no amino-acid change (proline 593 retained).
Molecular consequence: synonymous variant.
Genome position (GRCh38, 1-based): chr12:131,982,328, G>A. VCF-style: chr12-131982328-G-A. GRCh37 (hg19) VCF-style: chr12-132466873-G-A.
Identifiers: ClinVar variation 776780 (VCV000776780.6), dbSNP rs147639500, ClinGen allele CA6884846.